The following is an entry in ClinVar:

NM_001035.3(RYR2):c.2718+159G>A

Gene: RYR2 (ryanodine receptor 2; plus strand). Cytogenetic location: 1q43.
Variant type: single nucleotide variant.
Coding change: c.2718+159G>A on transcript NM_001035.3 (MANE Select); 159 bases into the intron after coding-DNA position 2718, G replaced by A.
Molecular consequence: intron variant.
Genome position (GRCh38, 1-based): chr1:237,506,973, G>A. VCF-style: chr1-237506973-G-A. GRCh37 (hg19) VCF-style: chr1-237670273-G-A.
Identifiers: ClinVar variation 675518 (VCV000675518.2), dbSNP rs114116868, ClinGen allele CA39782317.

ClinVar aggregate classification (germline): Likely benign. Review status: criteria provided, multiple submitters, no conflicts (2 of 4 stars). 2 submissions from 2 submitters: Likely benign (2). Last evaluated 2018-06-16.

Allele frequency attached by ClinVar (database versions not stated): gnomAD 0.01007 and 0.01046; TOPMed 0.01094; 1000 Genomes Project 0.01338; 1000 Genomes Project 30x 0.01499.
gnomAD v4.1: 1,527 of 152,144 alleles (1%); highest among the groups gnomAD compares: African/African-American, 3.3%; 29 homozygotes.

Submissions (2):

GeneDx
Classification: Likely benign. Last evaluated: 2018-06-16. Review status: criteria provided, single submitter. Criteria: GeneDx Variant Classification (06012015). Collection method: clinical testing. Allele origin: germline. Affected: yes.
Comment: This variant is considered likely benign or benign based on one or more of the following criteria: it is a conservative change, it occurs at a poorly conserved position in the protein, it is predicted to be benign by multiple in silico algorithms, and/or has population frequency not consistent with disease.

Breakthrough Genomics
Classification: Likely benign. Review status: criteria provided, single submitter. Criteria: ACMG Guidelines, 2015. Collection method: not provided. Allele origin: germline. Inheritance: Autosomal dominant inheritance. Affected: yes.